The following is an entry in ClinVar:

NM_002294.3(LAMP2):c.320C>G (p.Ser107Cys)

Gene: LAMP2 (lysosome associated membrane protein 2; minus strand). Cytogenetic location: Xq24.
Variant type: single nucleotide variant.
Coding change: c.320C>G on transcript NM_002294.3 (MANE Select); coding-DNA position 320, C replaced by G.
Protein change: p.Ser107Cys; replaces serine 107 with cysteine.
Molecular consequence: missense variant.
Genome position (GRCh38, 1-based): chrX:120,455,434, G>C on the plus strand (C>G on the coding strand, the complement: LAMP2 is on the minus strand). VCF-style: chrX-120455434-G-C. GRCh37 (hg19) VCF-style: chrX-119589289-G-C.
Other names: p.S107C:TCT>TGT; c.320C>G, p.Ser107Cys (NM_001122606.1, NM_013995.2); short protein forms S107C.
Identifiers: ClinVar variation 180892 (VCV000180892.17), dbSNP rs730880497, ClinGen allele CA333716.

ClinVar aggregate classification (germline): Conflicting classifications of pathogenicity. Review status: criteria provided, conflicting classifications (1 of 4 stars). 4 submissions from 4 submitters: Uncertain significance (3); Likely benign (1). Last evaluated 2026-01-25.

Conditions:
Cardiovascular phenotype. Identifiers: MedGen CN230736.
Danon disease. Also called: PSEUDOGLYCOGENOSIS II; GSD IIb; LYSOSOMAL GLYCOGEN STORAGE DISEASE WITHOUT ACID MALTASE DEFICIENCY; Glycogen Storage Disease Type IIb; ANTOPOL DISEASE. Identifiers: Orphanet 34587, MedGen C0878677, MONDO:0010281, OMIM 300257.

Allele frequency attached by ClinVar (database versions not stated): ExAC 0.00002; gnomAD exomes 0.00003; TOPMed 0.00004.
gnomAD v4.1: 8 of 1,210,574 alleles (0.00066%); highest among the groups gnomAD compares: Admixed American, 0.017%; no homozygotes.

Submissions (4):

Labcorp Genetics (formerly Invitae), Labcorp
Classification: Uncertain significance for Danon disease. Last evaluated: 2026-01-25. Review status: criteria provided, single submitter. Criteria: Invitae Variant Classification Sherloc (09022015). Collection method: clinical testing. Allele origin: germline.
Comment: This sequence change replaces serine, which is neutral and polar, with cysteine, which is neutral and slightly polar, at codon 107 of the LAMP2 protein (p.Ser107Cys). This variant is present in population databases (rs730880497, gnomAD 0.02%), including at least one homozygous and/or hemizygous individual. This missense change has been observed in individual(s) with hypertrophic cardiomyopathy (internal data). ClinVar contains an entry for this variant (Variation ID: 180892). Invitae Evidence Modeling of protein sequence and biophysical properties (such as structural, functional, and spatial information, amino acid conservation, physicochemical variation, residue mobility, and thermodynamic stability) indicates that this missense variant is expected to disrupt LAMP2 protein function with a positive predictive value of 80%. In summary, the available evidence is currently insufficient to determine the role of this variant in disease. Therefore, it has been classified as a Variant of Uncertain Significance.

Ambry Genetics
Classification: Likely benign for Cardiovascular phenotype. Last evaluated: 2025-05-23. Review status: criteria provided, single submitter. Criteria: Ambry Variant Classification Scheme 2023. Collection method: clinical testing. Allele origin: germline.

GeneDx
Classification: Uncertain significance. Last evaluated: 2023-06-23. Review status: criteria provided, single submitter. Criteria: GeneDx Variant Classification Process June 2021. Collection method: clinical testing. Allele origin: germline. Affected: yes.
Comment: Has not been previously published as pathogenic or benign to our knowledge; In silico analysis supports that this missense variant has a deleterious effect on protein structure/function; This variant is associated with the following publications: (PMID: 30019023)

Fulgent Genetics
Classification: Uncertain significance for Danon disease. Last evaluated: 2021-07-21. Review status: criteria provided, single submitter. Criteria: ACMG Guidelines, 2015. Collection method: clinical testing. Allele origin: unknown.